The following is an entry in ClinVar:

ClinVar aggregate classification (germline): Uncertain significance (1 of 4 stars; one submission).

Conditions:
Inborn genetic diseases. Identifiers: MedGen C0950123, MeSH D030342.

Submission:

Ambry Genetics
Classification: Uncertain significance for Inborn genetic diseases. Last evaluated: 2023-11-09. Review status: criteria provided, single submitter. Criteria: Ambry Variant Classification Scheme 2023. Collection method: clinical testing. Allele origin: germline.
Comment: The p.N1987S variant (also known as c.5960A>G), located in coding exon 35 of the ATR gene, results from an A to G substitution at nucleotide position 5960. The asparagine at codon 1987 is replaced by serine, an amino acid with highly similar properties. This amino acid position is conserved. In addition, this alteration is predicted to be tolerated by in silico analysis. Since supporting evidence is limited at this time, the clinical significance of this alteration remains unclear.

NM_001184.4(ATR):c.5960A>G (p.Asn1987Ser)

Gene: ATR (ATR checkpoint kinase; minus strand). Cytogenetic location: 3q23.
Variant type: single nucleotide variant.
Coding change: c.5960A>G on transcript NM_001184.4 (MANE Select); coding-DNA position 5960, A replaced by G.
Protein change: p.Asn1987Ser; replaces asparagine 1987 with serine.
Molecular consequence: missense variant.
Genome position (GRCh38, 1-based): chr3:142,493,250, T>C on the plus strand (A>G on the coding strand, the complement: ATR is on the minus strand). VCF-style: chr3-142493250-T-C. GRCh37 (hg19) VCF-style: chr3-142212092-T-C.
Other names: c.5768A>G, p.Asn1923Ser (NM_001354579.2); short protein forms N1923S, N1987S.
Identifiers: ClinVar variation 3221233 (VCV003221233.1), dbSNP rs2473143206, ClinGen allele CA354811684.